The following is an entry in ClinVar:

NM_145725.3(TRAF3):c.321G>T (p.Lys107Asn)

Gene: TRAF3 (TNF receptor associated factor 3; plus strand). Cytogenetic location: 14q32.32.
Variant type: single nucleotide variant.
Coding change: c.321G>T on transcript NM_145725.3 (MANE Select); coding-DNA position 321, G replaced by T.
Protein change: p.Lys107Asn; replaces lysine 107 with asparagine.
Molecular consequence: missense variant.
Genome position (GRCh38, 1-based): chr14:102,875,647, G>T. VCF-style: chr14-102875647-G-T. GRCh37 (hg19) VCF-style: chr14-103341984-G-T.
Other names: c.321G>T, p.Lys107Asn (NM_001199427.2, NM_001385142.1, NM_001385143.1 and 2 more transcripts); short protein forms K107N.
Identifiers: ClinVar variation 4760340 (VCV004760340.1).
Genomic context (GRCh38, chr14:102,875,647, plus strand): 5'-ATATTAATCCTCCAAAATAATGATCTTTCATTTTCAGGTGTTTAAGGATAATTGCTGCAA[G>T]AGAGAAATTCTGGCTCTTCAGATCTATTGTCGGAATGAAAGCAGAGGTTGTGCAGAGCAG-3'
Protein context (NP_663777.1, residues 97-117): KDKVFKDNCC[Lys107Asn]REILALQIYC

ClinVar aggregate classification (germline): Uncertain significance (1 of 4 stars; one submission).

Conditions:
Immunodeficiency 132A. Also called: Herpes simplex encephalitis, susceptibility to, 3. Identifiers: Orphanet 1930, MedGen C3553868, MONDO:0013920, OMIM 614849.

Submission:

Labcorp Genetics (formerly Invitae), Labcorp
Classification: Uncertain significance for Immunodeficiency 132A. Last evaluated: 2025-04-13. Review status: criteria provided, single submitter. Criteria: Invitae Variant Classification Sherloc (09022015). Collection method: clinical testing. Allele origin: germline.
Comment: This sequence change replaces lysine, which is basic and polar, with asparagine, which is neutral and polar, at codon 107 of the TRAF3 protein (p.Lys107Asn). This variant is not present in population databases (gnomAD no frequency). This variant has not been reported in the literature in individuals affected with TRAF3-related conditions. An algorithm developed to predict the effect of missense changes on protein structure and function (PolyPhen-2) suggests that this variant is likely to be tolerated. In summary, the available evidence is currently insufficient to determine the role of this variant in disease. Therefore, it has been classified as a Variant of Uncertain Significance.